The following is an entry in ClinVar:

NM_022041.4(GAN):c.478C>T (p.His160Tyr)

Gene: GAN (gigaxonin; plus strand). Cytogenetic location: 16q23.2.
Variant type: single nucleotide variant.
Coding change: c.478C>T on transcript NM_022041.4 (MANE Select); coding-DNA position 478, C replaced by T.
Protein change: p.His160Tyr; replaces histidine 160 with tyrosine.
Molecular consequence: missense variant. On other transcripts: 5 prime UTR variant (1).
Genome position (GRCh38, 1-based): chr16:81,354,600, C>T. VCF-style: chr16-81354600-C-T. GRCh37 (hg19) VCF-style: chr16-81388205-C-T.
Other names: c.-162C>T (NM_001377486.1); short protein forms H160Y.
Identifiers: ClinVar variation 1959780 (VCV001959780.5), dbSNP rs2507729249, ClinGen allele CA396868561.
Genomic context (GRCh38, chr16:81,354,600, plus strand): 5'-TTTGCACTACATTACTGCCTCCATCACGTTCATTACCTTGCCACAGAATACCTGGAGACT[C>T]ATTTCCGAGACGTCAGCAGCACGGAAGAATTCTTAGAGCTGAGTCCTCAAAAGCTTAAAG-3'
Protein context (NP_071324.1, residues 150-170): HYLATEYLET[His160Tyr]FRDVSSTEEF

ClinVar aggregate classification (germline): Uncertain significance (1 of 4 stars; one submission).

Conditions:
Giant axonal neuropathy 1 (GAN1). Also called: GIANT AXONAL NEUROPATHY 1, AUTOSOMAL RECESSIVE; GAN-Related Neurodegeneration. Identifiers: Orphanet 643, MedGen C1850386, MONDO:0009749, OMIM 256850.

Submission:

Labcorp Genetics (formerly Invitae), Labcorp
Classification: Uncertain significance for Giant axonal neuropathy 1. Last evaluated: 2022-02-07. Review status: criteria provided, single submitter. Criteria: Invitae Variant Classification Sherloc (09022015). Collection method: clinical testing. Allele origin: germline.
Comment: Algorithms developed to predict the effect of missense changes on protein structure and function are either unavailable or do not agree on the potential impact of this missense change (SIFT: "Tolerated"; PolyPhen-2: "Possibly Damaging"; Align-GVGD: "Class C0"). This sequence change replaces histidine, which is basic and polar, with tyrosine, which is neutral and polar, at codon 160 of the GAN protein (p.His160Tyr). This variant is not present in population databases (gnomAD no frequency). This variant has not been reported in the literature in individuals affected with GAN-related conditions. In summary, the available evidence is currently insufficient to determine the role of this variant in disease. Therefore, it has been classified as a Variant of Uncertain Significance.